The following is an entry in ClinVar:

NM_000135.4(FANCA):c.2305C>G (p.Leu769Val)

Gene: FANCA (FA complementation group A; minus strand). Cytogenetic location: 16q24.3.
Variant type: single nucleotide variant.
Coding change: c.2305C>G on transcript NM_000135.4 (MANE Select); coding-DNA position 2305, C replaced by G.
Protein change: p.Leu769Val; replaces leucine 769 with valine.
Molecular consequence: missense variant.
Genome position (GRCh38, 1-based): chr16:89,770,177, G>C on the plus strand (C>G on the coding strand, the complement: FANCA is on the minus strand). VCF-style: chr16-89770177-G-C. GRCh37 (hg19) VCF-style: chr16-89836585-G-C.
Other names: c.2305C>G, p.Leu769Val (NM_001286167.3); short protein forms L769V.
Identifiers: ClinVar variation 950523 (VCV000950523.6), dbSNP rs917707717, ClinGen allele CA397444979.
Genomic context (GRCh38, chr16:89,770,177, plus strand): 5'-GCCCTCAGAGTGGGCCCCCAAGGGTGGCCCCCATGAAGGAGAGCCTCACCTGGTGACGGA[G>C]CAGCTGGCAGAGCCGGGTGAGCACTGCAGGGAGCACACGTCCACACATGGTCCTCACGAA-3'
Protein context (NP_000126.2, residues 759-779): PAVLTRLCQL[Leu769Val]RHQGPSLSAP

ClinVar aggregate classification (germline): Uncertain significance. Review status: criteria provided, single submitter (1 of 4 stars). 2 submissions from 2 submitters: Uncertain significance (1). 1 of the submissions does not count toward it. Last evaluated 2021-09-01.

Conditions:
Fanconi anemia (FA). Also called: Fanconi's anemia. Identifiers: Orphanet 84, MedGen C0015625, MeSH D005199, MONDO:0019391.

Allele frequency attached by ClinVar (database versions not stated): gnomAD exomes 0.00001.
gnomAD v4.1: 130 of 1,590,854 alleles (0.0082%); highest among the groups gnomAD compares: Non-Finnish European, 0.011%; no homozygotes.

Submissions (2):

Labcorp Genetics (formerly Invitae), Labcorp
Classification: Uncertain significance for Fanconi anemia. Last evaluated: 2021-09-01. Review status: criteria provided, single submitter. Criteria: Invitae Variant Classification Sherloc (09022015). Collection method: clinical testing. Allele origin: germline.
Comment: This sequence change replaces leucine with valine at codon 769 of the FANCA protein (p.Leu769Val). The leucine residue is moderately conserved and there is a small physicochemical difference between leucine and valine. This variant is not present in population databases (ExAC no frequency). This variant has not been reported in the literature in individuals affected with FANCA-related conditions. Algorithms developed to predict the effect of missense changes on protein structure and function (SIFT, PolyPhen-2, Align-GVGD) all suggest that this variant is likely to be tolerated. Algorithms developed to predict the effect of sequence changes on RNA splicing suggest that this variant may create or strengthen a splice site. In summary, the available evidence is currently insufficient to determine the role of this variant in disease. Therefore, it has been classified as a Variant of Uncertain Significance.

Natera, Inc.
Classification: Uncertain significance for Fanconi anemia. Last evaluated: 2020-05-03. Review status: no assertion criteria provided. Collection method: clinical testing. Allele origin: germline. Not counted in ClinVar's aggregate classification.